The following is an entry in ClinVar:

ClinVar aggregate classification (germline): Pathogenic/Likely pathogenic. Review status: criteria provided, multiple submitters, no conflicts (2 of 4 stars). 5 submissions from 5 submitters: Pathogenic (3); Likely pathogenic (1). 1 of the submissions does not count toward it. Last evaluated 2025-07-17.

Conditions:
Autosomal recessive nonsyndromic hearing loss 8 (DFNB8). Also called: NEUROSENSORY NONSYNDROMIC RECESSIVE DEAFNESS 8; Deafness, autosomal recessive 10. Identifiers: Orphanet 90636, MedGen C1832827, MONDO:0010987, OMIM 601072.
Ear malformation. Also called: Abnormality of the ear; CUP EAR. Identifiers: MedGen C0266589, MONDO:0007500, OMIM 128600, HP:0000598.

Allele frequency attached by ClinVar (database versions not stated): gnomAD exomes 0.00001; TOPMed 0.00001; gnomAD 0.00001; ExAC 0.00002.
gnomAD v4.1: 8 of 1,613,322 alleles (0.0005%); highest among the groups gnomAD compares: Non-Finnish European, 0.00059%; no homozygotes.

Submissions (5):

Women's Health and Genetics/Laboratory Corporation of America, LabCorp
Classification: Pathogenic for Autosomal recessive nonsyndromic hearing loss 8. Last evaluated: 2025-07-17. Review status: criteria provided, single submitter. Criteria: LabCorp Variant Classification Summary - May 2015. Collection method: clinical testing. Allele origin: germline.
Comment: Variant summary: TMPRSS3 c.1211C>T (p.Pro404Leu) results in a non-conservative amino acid change in the encoded protein sequence. Algorithms developed to predict the effect of missense changes on protein structure and function all suggest that this variant is likely to be disruptive. The variant allele was found at a frequency of 1.2e-05 in 251368 control chromosomes. c.1211C>T has been observed in multiple individuals affected with Autosomal Recessive Deafness 8 and has been found to segregate with the phenotype in affected families (e.g. Wattenhofer_2005). These data indicate that the variant is very likely to be associated with disease. At least two publications reports experimental evidence evaluating an impact on protein function and found that the variant results in <10% of normal protease activity and resulted in severely impaired sodium channel activity (e.g. Lee_2003, Wattenhofer_2005). The following publications have been ascertained in the context of this evaluation (PMID: 12920079, 16021470). ClinVar contains an entry for this variant (Variation ID: 4945). Based on the evidence outlined above, the variant was classified as pathogenic.

Labcorp Genetics (formerly Invitae), Labcorp
Classification: Pathogenic. Last evaluated: 2024-02-04. Review status: criteria provided, single submitter. Criteria: Invitae Variant Classification Sherloc (09022015). Collection method: clinical testing. Allele origin: germline.
Comment: This sequence change replaces proline, which is neutral and non-polar, with leucine, which is neutral and non-polar, at codon 404 of the TMPRSS3 protein (p.Pro404Leu). This variant is present in population databases (rs28939084, gnomAD 0.01%). This missense change has been observed in individual(s) with autosomal recessive deafness (PMID: 11462234, 31850270). It has also been observed to segregate with disease in related individuals. ClinVar contains an entry for this variant (Variation ID: 4945). Advanced modeling of protein sequence and biophysical properties (such as structural, functional, and spatial information, amino acid conservation, physicochemical variation, residue mobility, and thermodynamic stability) performed at Invitae indicates that this missense variant is expected to disrupt TMPRSS3 protein function with a positive predictive value of 95%. Experimental studies have shown that this missense change affects TMPRSS3 function (PMID: 12920079). For these reasons, this variant has been classified as Pathogenic.

Kariminejad - Najmabadi Pathology & Genetics Center
Classification: Likely pathogenic for Ear malformation. Last evaluated: 2021-07-10. Review status: criteria provided, single submitter. Criteria: ACMG Guidelines, 2015. Collection method: clinical testing. Allele origin: germline. Affected: yes.

Clinical Genetics Service, Universitary Hospital 12 de Octubre
Classification: Pathogenic for Autosomal recessive nonsyndromic hearing loss 8. Review status: criteria provided, single submitter. Criteria: ACMG Guidelines, 2015. Collection method: clinical testing. Allele origin: germline. Affected: yes.

OMIM
Classification: Pathogenic for DEAFNESS, AUTOSOMAL RECESSIVE 8. Last evaluated: 2005-10-01. Review status: no assertion criteria provided. Collection method: literature only. Allele origin: germline. Not counted in ClinVar's aggregate classification.

Literature cited by the submitters: PubMed 16021470 (cited by Women's Health and Genetics/Laboratory Corporation of America, LabCorp and OMIM); PubMed 12920079 (cited by Women's Health and Genetics/Laboratory Corporation of America, LabCorp and Labcorp Genetics (formerly Invitae), Labcorp); PubMed 11462234 (cited by Labcorp Genetics (formerly Invitae), Labcorp and OMIM); PubMed 31850270 (cited by Labcorp Genetics (formerly Invitae), Labcorp).

NM_001256317.3(TMPRSS3):c.1208C>T (p.Pro403Leu)

Gene: TMPRSS3 (transmembrane serine protease 3; minus strand). Cytogenetic location: 21q22.3.
Variant type: single nucleotide variant.
Coding change: c.1208C>T on transcript NM_001256317.3 (MANE Select); coding-DNA position 1208, C replaced by T.
Protein change: p.Pro403Leu; replaces proline 403 with leucine.
Molecular consequence: missense variant.
Genome position (GRCh38, 1-based): chr21:42,375,852, G>A on the plus strand (C>T on the coding strand, the complement: TMPRSS3 is on the minus strand). VCF-style: chr21-42375852-G-A. GRCh37 (hg19) VCF-style: chr21-43795961-G-A.
Other names: c.1211C>T (NM_024022.3); c.1211C>T, p.Pro404Leu (NM_024022.4); c.830C>T, p.Pro277Leu (NM_032404.3); short protein forms P404L, P403L, P277L.
Identifiers: ClinVar variation 4945 (VCV000004945.27), dbSNP rs28939084, ClinGen allele CA253353.